The following is an entry in ClinVar:

ClinVar aggregate classification (germline): Conflicting classifications of pathogenicity. Review status: criteria provided, conflicting classifications (1 of 4 stars). 3 submissions from 3 submitters: Uncertain significance (1); Likely benign (2). Last evaluated 2025-08-02.

Allele frequency attached by ClinVar (database versions not stated): 1000 Genomes Project 30x 0.00016; 1000 Genomes Project 0.00020.
gnomAD v4.1: 168 of 1,602,584 alleles (0.01%); highest among the groups gnomAD compares: African/African-American, 0.037%; no homozygotes.

Submissions (3):

GeneDx
Classification: Uncertain significance. Last evaluated: 2025-08-02. Review status: criteria provided, single submitter. Criteria: GeneDx Variant Classification Process June 2021. Collection method: clinical testing. Allele origin: germline. Affected: yes.
Comment: Reported previously as a variant of uncertain significance in a patient with pulmonary arterial hypertension and congenital heart disease; parental testing was not performed (PMID: 33007923); In silico analysis supports that this missense variant has a deleterious effect on protein structure/function; This variant is associated with the following publications: (PMID: 33007923)

Blueprint Genetics
Classification: Likely benign. Last evaluated: 2024-11-05. Review status: criteria provided, single submitter. Criteria: ACMG Guidelines, 2015. Collection method: clinical testing. Allele origin: germline.

Labcorp Genetics (formerly Invitae), Labcorp
Classification: Likely benign. Last evaluated: 2022-05-27. Review status: criteria provided, single submitter. Criteria: Invitae Variant Classification Sherloc (09022015). Collection method: clinical testing. Allele origin: germline.

NM_000435.3(NOTCH3):c.6097C>G (p.Pro2033Ala)

Gene: NOTCH3 (notch receptor 3; minus strand). Cytogenetic location: 19p13.12.
Variant type: single nucleotide variant.
Coding change: c.6097C>G on transcript NM_000435.3 (MANE Select); coding-DNA position 6097, C replaced by G.
Protein change: p.Pro2033Ala; replaces proline 2033 with alanine.
Molecular consequence: missense variant.
Genome position (GRCh38, 1-based): chr19:15,161,531, G>C on the plus strand (C>G on the coding strand, the complement: NOTCH3 is on the minus strand). VCF-style: chr19-15161531-G-C. GRCh37 (hg19) VCF-style: chr19-15272342-G-C.
Other names: c.6097C>G (NM_000435.2); short protein forms P2033A.
Identifiers: ClinVar variation 1154590 (VCV001154590.11), dbSNP rs375213868, ClinGen allele CA9262427.